The following is an entry in ClinVar:

ClinVar aggregate classification (germline): Uncertain significance (1 of 4 stars; one submission).

Submission:

CeGaT Center for Human Genetics Tuebingen
Classification: Uncertain significance. Last evaluated: 2025-07-01. Review status: criteria provided, single submitter. Criteria: CeGaT Center For Human Genetics Tuebingen Variant Classification Criteria Version 2. Collection method: clinical testing. Allele origin: germline. Affected: yes. Observed: 1 variant allele.
Comment: SEPSECS: PM2, PP3

NM_016955.4(SEPSECS):c.154G>A (p.Glu52Lys)

Gene: SEPSECS (Sep (O-phosphoserine) tRNA:Sec (selenocysteine) tRNA synthase; minus strand). Cytogenetic location: 4p15.2.
Variant type: single nucleotide variant.
Coding change: c.154G>A on transcript NM_016955.4 (MANE Select); coding-DNA position 154, G replaced by A.
Protein change: p.Glu52Lys; replaces glutamic acid 52 with lysine.
Molecular consequence: missense variant.
Genome position (GRCh38, 1-based): chr4:25,159,068, C>T on the plus strand (G>A on the coding strand, the complement: SEPSECS is on the minus strand). VCF-style: chr4-25159068-C-T. GRCh37 (hg19) VCF-style: chr4-25160690-C-T.
Other names: c.409G>A, p.Glu137Lys (NM_001410714.1); short protein forms E137K, E52K.
Identifiers: ClinVar variation 4084857 (VCV004084857.8).